The following is an entry in ClinVar:

ClinVar aggregate classification (germline): Uncertain significance. Review status: criteria provided, multiple submitters, no conflicts (2 of 4 stars). 2 submissions from 2 submitters: Uncertain significance (2). Last evaluated 2025-02-12.

Allele frequency attached by ClinVar (database versions not stated): TOPMed 0.00001; ExAC 0.00002; gnomAD 0.00002; gnomAD exomes 0.00005; 1000 Genomes Project 30x 0.00016; 1000 Genomes Project 0.00020.
gnomAD v4.1: 76 of 1,613,974 alleles (0.0047%); highest among the groups gnomAD compares: South Asian, 0.037%; no homozygotes.

Submissions (2):

Ambry Genetics
Classification: Uncertain significance. Last evaluated: 2025-02-12. Review status: criteria provided, single submitter. Criteria: Ambry Variant Classification Scheme 2023. Collection method: clinical testing. Allele origin: germline.

Labcorp Genetics (formerly Invitae), Labcorp
Classification: Uncertain significance. Last evaluated: 2024-11-13. Review status: criteria provided, single submitter. Criteria: Invitae Variant Classification Sherloc (09022015). Collection method: clinical testing. Allele origin: germline.
Comment: This sequence change replaces arginine, which is basic and polar, with cysteine, which is neutral and slightly polar, at codon 4475 of the HMCN1 protein (p.Arg4475Cys). This variant is present in population databases (rs566208629, gnomAD 0.02%). This variant has not been reported in the literature in individuals affected with HMCN1-related conditions. ClinVar contains an entry for this variant (Variation ID: 2956814). An algorithm developed to predict the effect of missense changes on protein structure and function (PolyPhen-2) suggests that this variant is likely to be disruptive. In summary, the available evidence is currently insufficient to determine the role of this variant in disease. Therefore, it has been classified as a Variant of Uncertain Significance.

NM_031935.3(HMCN1):c.13423C>T (p.Arg4475Cys)

Gene: HMCN1 (hemicentin 1; plus strand). Cytogenetic location: 1q31.1.
Variant type: single nucleotide variant.
Coding change: c.13423C>T on transcript NM_031935.3 (MANE Select); coding-DNA position 13423, C replaced by T.
Protein change: p.Arg4475Cys; replaces arginine 4475 with cysteine.
Molecular consequence: missense variant.
Genome position (GRCh38, 1-based): chr1:186,136,778, C>T. VCF-style: chr1-186136778-C-T. GRCh37 (hg19) VCF-style: chr1-186105910-C-T.
Other names: c.13423C>T (NM_031935.2); short protein forms R4475C.
Identifiers: ClinVar variation 2956814 (VCV002956814.4), dbSNP rs566208629, ClinGen allele CA1294655.